The following is an entry in ClinVar:

NM_198576.4(AGRN):c.28C>A (p.Leu10Met)

Gene: AGRN (agrin; plus strand). Cytogenetic location: 1p36.33.
Variant type: single nucleotide variant.
Coding change: c.28C>A on transcript NM_198576.4 (MANE Select); coding-DNA position 28, C replaced by A.
Protein change: p.Leu10Met; replaces leucine 10 with methionine.
Molecular consequence: missense variant.
Genome position (GRCh38, 1-based): chr1:1,020,200, C>A. VCF-style: chr1-1020200-C-A. GRCh37 (hg19) VCF-style: chr1-955580-C-A.
Other names: c.28C>A, p.Leu10Met (NM_001305275.2); short protein forms L10M.
Identifiers: ClinVar variation 1007441 (VCV001007441.6), dbSNP rs1226970553, ClinGen allele CA337809481.

ClinVar aggregate classification (germline): Uncertain significance (1 of 4 stars; one submission).

Conditions:
Congenital myasthenic syndrome 8. Also called: MYASTHENIC SYNDROME, CONGENITAL, DUE TO AGRIN DEFICIENCY; Myasthenic syndrome, congenital, 8, with pre- and postsynaptic defects. Identifiers: Orphanet 590, MedGen C3808739, MONDO:0014052, OMIM 615120.

Allele frequency attached by ClinVar (database versions not stated): TOPMed 0.00001.
gnomAD v4.1: 15 of 1,366,126 alleles (0.0011%); highest among the groups gnomAD compares: South Asian, 0.0017%; no homozygotes.

Submission:

Labcorp Genetics (formerly Invitae), Labcorp
Classification: Uncertain significance for Congenital myasthenic syndrome 8. Last evaluated: 2022-03-18. Review status: criteria provided, single submitter. Criteria: Invitae Variant Classification Sherloc (09022015). Collection method: clinical testing. Allele origin: germline.
Comment: This sequence change replaces leucine, which is neutral and non-polar, with methionine, which is neutral and non-polar, at codon 10 of the AGRN protein (p.Leu10Met). This variant is not present in population databases (gnomAD no frequency). This variant has not been reported in the literature in individuals affected with AGRN-related conditions. ClinVar contains an entry for this variant (Variation ID: 1007441). Algorithms developed to predict the effect of missense changes on protein structure and function are either unavailable or do not agree on the potential impact of this missense change (SIFT: "Tolerated"; PolyPhen-2: "Not Available"; Align-GVGD: "Class C0"). In summary, the available evidence is currently insufficient to determine the role of this variant in disease. Therefore, it has been classified as a Variant of Uncertain Significance.